The following is an entry in ClinVar:

NM_000081.4(LYST):c.5719A>G (p.Ile1907Val)

Gene: LYST (lysosomal trafficking regulator; minus strand). Cytogenetic location: 1q42.3.
Variant type: single nucleotide variant.
Coding change: c.5719A>G on transcript NM_000081.4 (MANE Select); coding-DNA position 5719, A replaced by G.
Protein change: p.Ile1907Val; replaces isoleucine 1907 with valine.
Molecular consequence: missense variant.
Genome position (GRCh38, 1-based): chr1:235,773,907, T>C on the plus strand (A>G on the coding strand, the complement: LYST is on the minus strand). VCF-style: chr1-235773907-T-C. GRCh37 (hg19) VCF-style: chr1-235937207-T-C.
Other names: p.Ile1907Val; c.5719A>G, p.Ile1907Val (NM_001301365.1); short protein forms I1907V.
Identifiers: ClinVar variation 561992 (VCV000561992.12), dbSNP rs370441301, ClinGen allele CA1466546.

ClinVar aggregate classification (germline): Conflicting classifications of pathogenicity. Review status: criteria provided, conflicting classifications (1 of 4 stars). 5 submissions from 5 submitters: Likely pathogenic (1); Uncertain significance (3). 1 of the submissions does not count toward it. Last evaluated 2025-01-15.

Conditions:
Chédiak-Higashi syndrome (CHS). Also called: Chediak-Higashi Syndrome. Identifiers: Orphanet 167, MedGen C0007965, MONDO:0008963, OMIM 214500.

Allele frequency attached by ClinVar (database versions not stated): gnomAD exomes 0.00002; gnomAD 0.00005; TOPMed 0.00005; ExAC 0.00006; ESP Exome Variant Server 0.00008.
gnomAD v4.1: 43 of 1,607,036 alleles (0.0027%); highest among the groups gnomAD compares: South Asian, 0.0066%; no homozygotes.

Submissions (5):

Labcorp Genetics (formerly Invitae), Labcorp
Classification: Uncertain significance for Chédiak-Higashi syndrome. Last evaluated: 2025-01-15. Review status: criteria provided, single submitter. Criteria: Invitae Variant Classification Sherloc (09022015). Collection method: clinical testing. Allele origin: germline.
Comment: This sequence change replaces isoleucine, which is neutral and non-polar, with valine, which is neutral and non-polar, at codon 1907 of the LYST protein (p.Ile1907Val). This variant is present in population databases (rs370441301, gnomAD 0.006%). This missense change has been observed in individual(s) with Chediak Higashi-syndrome (PMID: 31906877). ClinVar contains an entry for this variant (Variation ID: 561992). Invitae Evidence Modeling of protein sequence and biophysical properties (such as structural, functional, and spatial information, amino acid conservation, physicochemical variation, residue mobility, and thermodynamic stability) indicates that this missense variant is not expected to disrupt LYST protein function with a negative predictive value of 80%. In summary, the available evidence is currently insufficient to determine the role of this variant in disease. Therefore, it has been classified as a Variant of Uncertain Significance.

Blueprint Genetics
Classification: Uncertain significance. Last evaluated: 2024-10-31. Review status: criteria provided, single submitter. Criteria: ACMG Guidelines, 2015. Collection method: clinical testing. Allele origin: germline.

Mayo Clinic Laboratories, Mayo Clinic
Classification: Uncertain significance. Last evaluated: 2023-05-02. Review status: criteria provided, single submitter. Criteria: ACMG Guidelines, 2015. Collection method: clinical testing. Allele origin: germline. Observed: 1 variant allele.
Comment: BP4

Neuberg Centre For Genomic Medicine, NCGM
Classification: Likely pathogenic for Chédiak-Higashi syndrome. Review status: criteria provided, single submitter. Criteria: ACMG Guidelines, 2015. Collection method: clinical testing. Allele origin: germline. Affected: yes.
Comment: The missense variant p.I1907V in LYST (NM_000081.4) has been reported previously as a disease causing mutation in compound heterozygous state with a splice site mutation (Song Y et al). Functional studies via ELISA had proved loss of protein expression. The variant has been submitted to ClinVar with varying interpretations of pathogenicity- VUS/Likely Pathogenic. The p.I1907V variant is observed in 2/30,606 (0.0065%) alleles from individuals of South Asian background in gnomAD Exomes and is novel (not in any individuals) in 1000 Genomes. The p.I1907V missense variant is predicted to be tolerated by both SIFT or PolyPhen2. The valine residue at codon 1907 of LYST is present in Opossum and 2 other mammalian species. For these reasons, this variant has been classified as Likely Pathogenic.

Fan Lab, Zhengzhou University
Classification: Likely pathogenic for Chédiak-Higashi syndrome. Last evaluated: 2018-04-23. Review status: no assertion criteria provided. Collection method: clinical testing. Allele origin: inherited. Inheritance: Autosomal recessive inheritance. Affected: yes. Not counted in ClinVar's aggregate classification.
Comment: Functional prediction showed loss of protein function caused by the peptide change.

Literature cited by the submitters: PubMed 31906877 (cited by Labcorp Genetics (formerly Invitae), Labcorp and Mayo Clinic Laboratories, Mayo Clinic).